The following is an entry in ClinVar:

NM_201253.3(CRB1):c.269G>A (p.Gly90Glu)

Gene: CRB1 (crumbs cell polarity complex component 1; plus strand). Cytogenetic location: 1q31.3.
Variant type: single nucleotide variant.
Coding change: c.269G>A on transcript NM_201253.3 (MANE Select); coding-DNA position 269, G replaced by A.
Protein change: p.Gly90Glu; replaces glycine 90 with glutamic acid.
Molecular consequence: missense variant. On other transcripts: non-coding transcript variant (2).
Genome position (GRCh38, 1-based): chr1:197,328,620, G>A. VCF-style: chr1-197328620-G-A. GRCh37 (hg19) VCF-style: chr1-197297750-G-A.
Other names: c.269G>A, p.Gly90Glu (NM_001193640.2, NM_001257966.2); c.62G>A, p.Gly21Glu (NM_001257965.2); short protein forms G21E, G90E.
Identifiers: ClinVar variation 835535 (VCV000835535.5), dbSNP rs368816923, ClinGen allele CA1311604.

ClinVar aggregate classification (germline): Uncertain significance. Review status: criteria provided, multiple submitters, no conflicts (2 of 4 stars). 3 submissions from 3 submitters: Uncertain significance (2). 1 of the submissions does not count toward it. Last evaluated 2024-09-24.

Conditions:
Leber congenital amaurosis (LCA). Also called: Leber's amaurosis. Identifiers: Orphanet 65, MedGen C0339527, MeSH D057130, MONDO:0018998.
Retinitis pigmentosa 12 (RP12). Also called: RP WITH OR WITHOUT PPRPE; RP WITH OR WITHOUT PRESERVED PARAARTERIOLE RETINAL PIGMENT EPITHELIUM; RETINITIS PIGMENTOSA WITH OR WITHOUT PARAARTERIOLAR PRESERVATION OF RETINAL PIGMENT EPITHELIUM. Identifiers: Orphanet 791, MedGen C1838647, MONDO:0010818, OMIM 600105.
Leber congenital amaurosis 8 (LCA8). Identifiers: Orphanet 65, MedGen C3151202, MONDO:0013453, OMIM 613835.

Allele frequency attached by ClinVar (database versions not stated): ExAC 0.00002; TOPMed 0.00003; gnomAD 0.00004; gnomAD exomes 0.00005; ESP Exome Variant Server 0.00008.
gnomAD v4.1: 74 of 1,614,098 alleles (0.0046%); highest among the groups gnomAD compares: Non-Finnish European, 0.0061%; no homozygotes.

Submissions (3):

Blueprint Genetics
Classification: Uncertain significance. Last evaluated: 2024-09-24. Review status: criteria provided, single submitter. Criteria: ACMG Guidelines, 2015. Collection method: clinical testing. Allele origin: germline.

Labcorp Genetics (formerly Invitae), Labcorp
Classification: Uncertain significance for Leber congenital amaurosis 8; Retinitis pigmentosa 12. Last evaluated: 2022-08-21. Review status: criteria provided, single submitter. Criteria: Invitae Variant Classification Sherloc (09022015). Collection method: clinical testing. Allele origin: germline.
Comment: This sequence change replaces glycine, which is neutral and non-polar, with glutamic acid, which is acidic and polar, at codon 90 of the CRB1 protein (p.Gly90Glu). This variant is present in population databases (rs368816923, gnomAD 0.01%). This variant has not been reported in the literature in individuals affected with CRB1-related conditions. ClinVar contains an entry for this variant (Variation ID: 835535). Advanced modeling of protein sequence and biophysical properties (such as structural, functional, and spatial information, amino acid conservation, physicochemical variation, residue mobility, and thermodynamic stability) performed at Invitae indicates that this missense variant is expected to disrupt CRB1 protein function. In summary, the available evidence is currently insufficient to determine the role of this variant in disease. Therefore, it has been classified as a Variant of Uncertain Significance.

Natera, Inc.
Classification: Uncertain significance for Leber congenital amaurosis. Last evaluated: 2020-01-24. Review status: no assertion criteria provided. Collection method: clinical testing. Allele origin: germline. Not counted in ClinVar's aggregate classification.